The following is an entry in ClinVar:

ClinVar aggregate classification (germline): Uncertain significance. Review status: criteria provided, multiple submitters, no conflicts (2 of 4 stars). 2 submissions from 2 submitters: Uncertain significance (2). Last evaluated 2023-06-28.

Conditions:
Oligodontia-cancer predisposition syndrome. Also called: TOOTH AGENESIS-COLORECTAL CANCER SYNDROME. Identifiers: Orphanet 300576, MedGen C1837750, MONDO:0012075, OMIM 608615. Disease mechanism: loss of function.

Submissions (2):

Quest Diagnostics Nichols Institute San Juan Capistrano
Classification: Uncertain significance. Last evaluated: 2023-06-28. Review status: criteria provided, single submitter. Criteria: Quest Diagnostics criteria. Collection method: clinical testing. Allele origin: unknown.
Comment: To the best of our knowledge, this variant has not been reported in the published literature. It also has not been reported in large, multi-ethnic general populations (Genome Aggregation Database). Analysis of this variant using bioinformatics tools for the prediction of the effect of amino acid changes on protein structure and function yielded conflicting predictions that this variant is benign or damaging. Based on the available information, we are unable to determine the clinical significance of this variant.

Labcorp Genetics (formerly Invitae), Labcorp
Classification: Uncertain significance for Oligodontia-cancer predisposition syndrome. Last evaluated: 2021-11-07. Review status: criteria provided, single submitter. Criteria: Invitae Variant Classification Sherloc (09022015). Collection method: clinical testing. Allele origin: germline.
Comment: This sequence change replaces proline, which is neutral and non-polar, with arginine, which is basic and polar, at codon 683 of the AXIN2 protein (p.Pro683Arg). This variant is not present in population databases (gnomAD no frequency). This variant has not been reported in the literature in individuals affected with AXIN2-related conditions. Algorithms developed to predict the effect of missense changes on protein structure and function are either unavailable or do not agree on the potential impact of this missense change (SIFT: "Deleterious"; PolyPhen-2: "Possibly Damaging"; Align-GVGD: "Class C0"). Algorithms developed to predict the effect of sequence changes on RNA splicing suggest that this variant may create or strengthen a splice site. In summary, the available evidence is currently insufficient to determine the role of this variant in disease. Therefore, it has been classified as a Variant of Uncertain Significance.

NM_004655.4(AXIN2):c.2048C>G (p.Pro683Arg)

Gene: AXIN2 (axin 2; minus strand). Cytogenetic location: 17q24.1.
Variant type: single nucleotide variant.
Coding change: c.2048C>G on transcript NM_004655.4 (MANE Select); coding-DNA position 2048, C replaced by G.
Protein change: p.Pro683Arg; replaces proline 683 with arginine.
Molecular consequence: missense variant.
Genome position (GRCh38, 1-based): chr17:65,536,413, G>C on the plus strand (C>G on the coding strand, the complement: AXIN2 is on the minus strand). VCF-style: chr17-65536413-G-C. GRCh37 (hg19) VCF-style: chr17-63532531-G-C.
Other names: c.1853C>G, p.Pro618Arg (NM_001363813.1); c.2048C>G (NM_004655.3); short protein forms P618R, P683R.
Identifiers: ClinVar variation 1477134 (VCV001477134.7), dbSNP rs1555577092, ClinGen allele CA400676090.
Genomic context (GRCh38, chr17:65,536,413, plus strand): 5'-CTGCGACAGGCCTCCTCCAGCTGAGCCAGCGTGTTGGGTGGGGTCAGGGGAGGCATCGCA[G>C]GGTCCTGGGTGAACAGGTGGGCACGGGGGGTGGTGCGGGGGTGCCCGCTGTTGCCCCCCC-3'
Protein context (NP_004646.3, residues 673-693): TPRAHLFTQD[Pro683Arg]AMPPLTPPNT